The following is an entry in ClinVar:

NM_145046.5(CALR3):c.1134T>A (p.Phe378Leu)

Gene: CALR3 (calreticulin 3; minus strand). Cytogenetic location: 19p13.11.
Variant type: single nucleotide variant.
Coding change: c.1134T>A on transcript NM_145046.5 (MANE Select); coding-DNA position 1134, T replaced by A.
Protein change: p.Phe378Leu; replaces phenylalanine 378 with leucine.
Molecular consequence: missense variant.
Genome position (GRCh38, 1-based): chr19:16,479,152, A>T on the plus strand (T>A on the coding strand, the complement: CALR3 is on the minus strand). VCF-style: chr19-16479152-A-T. GRCh37 (hg19) VCF-style: chr19-16589963-A-T.
Other names: c.1134T>A (NM_145046.3); short protein forms F378L.
Identifiers: ClinVar variation 2187624 (VCV002187624.5), dbSNP rs1174834467, ClinGen allele CA404604778.

ClinVar aggregate classification (germline): Uncertain significance. Review status: criteria provided, multiple submitters, no conflicts (2 of 4 stars). 2 submissions from 2 submitters: Uncertain significance (2). Last evaluated 2025-12-26.

Conditions:
Hypertrophic cardiomyopathy 19. Also called: Familial hypertrophic cardiomyopathy 19. Identifiers: MedGen CN077603, MONDO:0013476.

Allele frequency attached by ClinVar (database versions not stated): gnomAD exomes below 0.00001; TOPMed 0.00002.
gnomAD v4.1: 7 of 1,614,158 alleles (0.00043%); highest among the groups gnomAD compares: Middle Eastern, 0.016%; no homozygotes.

Submissions (2):

Labcorp Genetics (formerly Invitae), Labcorp
Classification: Uncertain significance for Hypertrophic cardiomyopathy 19. Last evaluated: 2025-12-26. Review status: criteria provided, single submitter. Criteria: Invitae Variant Classification Sherloc (09022015). Collection method: clinical testing. Allele origin: germline.
Comment: This sequence change replaces phenylalanine, which is neutral and non-polar, with leucine, which is neutral and non-polar, at codon 378 of the CALR3 protein (p.Phe378Leu). This variant is present in population databases (no rsID available, gnomAD 0.01%). This variant has not been reported in the literature in individuals affected with CALR3-related conditions. ClinVar contains an entry for this variant (Variation ID: 2187624). An algorithm developed to predict the effect of missense changes on protein structure and function (PolyPhen-2) suggests that this variant is likely to be tolerated. In summary, the available evidence is currently insufficient to determine the role of this variant in disease. Therefore, it has been classified as a Variant of Uncertain Significance.

Ambry Genetics
Classification: Uncertain significance. Last evaluated: 2025-08-07. Review status: criteria provided, single submitter. Criteria: Ambry Variant Classification Scheme 2023. Collection method: clinical testing. Allele origin: germline.